The following is an entry in ClinVar:

ClinVar aggregate classification (germline): Uncertain significance (1 of 4 stars; one submission).

Conditions:
Spinocerebellar ataxia, autosomal recessive, with axonal neuropathy 2 (SCAN2). Also called: ATAXIA-OCULOMOTOR APRAXIA 2; Ataxia with Oculomotor Apraxia; Ataxia-ocular apraxia-2; Ataxia with Oculomotor Apraxia Type 2. Identifiers: Orphanet 64753, MedGen C1853761, MONDO:0018996, OMIM 606002.
Amyotrophic lateral sclerosis type 4 (ALS4). Also called: AMYOTROPHIC LATERAL SCLEROSIS 4, JUVENILE; NEURONOPATHY, DISTAL HEREDITARY MOTOR, WITH PYRAMIDAL FEATURES. Identifiers: Orphanet 357043, MedGen C1865409, MONDO:0011223, OMIM 602433.

Submission:

Labcorp Genetics (formerly Invitae), Labcorp
Classification: Uncertain significance for Amyotrophic lateral sclerosis type 4; Spinocerebellar ataxia, autosomal recessive, with axonal neuropathy 2. Last evaluated: 2025-05-31. Review status: criteria provided, single submitter. Criteria: Invitae Variant Classification Sherloc (09022015). Collection method: clinical testing. Allele origin: germline.
Comment: This sequence change replaces serine, which is neutral and polar, with asparagine, which is neutral and polar, at codon 822 of the SETX protein (p.Ser822Asn). This variant is not present in population databases (gnomAD no frequency). This variant has not been reported in the literature in individuals affected with SETX-related conditions. Invitae Evidence Modeling of protein sequence and biophysical properties (such as structural, functional, and spatial information, amino acid conservation, physicochemical variation, residue mobility, and thermodynamic stability) indicates that this missense variant is not expected to disrupt SETX protein function with a negative predictive value of 95%. In summary, the available evidence is currently insufficient to determine the role of this variant in disease. Therefore, it has been classified as a Variant of Uncertain Significance.

NM_015046.7(SETX):c.2465G>A (p.Ser822Asn)

Gene: SETX (senataxin; minus strand). Cytogenetic location: 9q34.13.
Variant type: single nucleotide variant.
Coding change: c.2465G>A on transcript NM_015046.7 (MANE Select); coding-DNA position 2465, G replaced by A.
Protein change: p.Ser822Asn; replaces serine 822 with asparagine.
Molecular consequence: missense variant.
Genome position (GRCh38, 1-based): chr9:132,329,133, C>T on the plus strand (G>A on the coding strand, the complement: SETX is on the minus strand). VCF-style: chr9-132329133-C-T. GRCh37 (hg19) VCF-style: chr9-135204520-C-T.
Other names: c.2465G>A, p.Ser822Asn (NM_001351527.2, NM_001351528.2); short protein forms S822N.
Identifiers: ClinVar variation 4789538 (VCV004789538.1).